The following is an entry in ClinVar:

NM_000539.3(RHO):c.1010del (p.Val337fs)

Gene: RHO (rhodopsin; plus strand). Cytogenetic location: 3q22.1.
Variant type: Deletion.
Coding change: c.1010del on transcript NM_000539.3 (MANE Select); coding-DNA position 1010, one base deleted (T; older notation c.1010delT).
Protein change: p.Val337fs; shifts the reading frame from valine 337.
Molecular consequence: frameshift variant.
Genome position (GRCh38, 1-based): chr3:129,533,681, T deleted. VCF-style (leftmost placement, unchanged base first): chr3-129533680-GT-G. GRCh37 (hg19) VCF-style: chr3-129252523-GT-G.
Other names: short protein forms V337fs.
Identifiers: ClinVar variation 966807 (VCV000966807.11), dbSNP rs2084801221, ClinGen allele CA1139655838.
Genomic context (GRCh38, chr3:129,533,680, plus strand): 5'-ATGCTCACCACCATCTGCTGCGGCAAGAACCCACTGGGTGACGATGAGGCCTCTGCTACC[GT>G]GTCCAAGACGGAGACGAGCCAGGTGGCCCCGGCCTAAGACCTGCCTAGGACTCTGTGGCC-3'

ClinVar aggregate classification (germline): Conflicting classifications of pathogenicity. Review status: criteria provided, conflicting classifications (1 of 4 stars). 2 submissions from 2 submitters: Likely pathogenic (1); Uncertain significance (1). Last evaluated 2024-04-15.

Conditions:
RHO-related disorder. Also called: RHO-related condition.

Submissions (2):

Labcorp Genetics (formerly Invitae), Labcorp
Classification: Uncertain significance. Last evaluated: 2024-04-15. Review status: criteria provided, single submitter. Criteria: Invitae Variant Classification Sherloc (09022015). Collection method: clinical testing. Allele origin: germline.
Comment: This sequence change results in a frameshift in the RHO gene (p.Val337Glyfs*23). While this is not anticipated to result in nonsense mediated decay, it is expected to disrupt the last 12 amino acid(s) of the RHO protein and extend the protein by 10 additional amino acid residues. This variant is not present in population databases (gnomAD no frequency). This frameshift has been observed in individual(s) with RHO-related conditions (Invitae). ClinVar contains an entry for this variant (Variation ID: 966807). Experimental studies and prediction algorithms are not available or were not evaluated, and the functional significance of this variant is currently unknown. In summary, the available evidence is currently insufficient to determine the role of this variant in disease. Therefore, it has been classified as a Variant of Uncertain Significance.

Blueprint Genetics
Classification: Likely pathogenic for RHO-related disorders. Last evaluated: 2022-02-18. Review status: criteria provided, single submitter. Criteria: ACMG Guidelines, 2015. Collection method: clinical testing. Allele origin: germline. Affected: yes. Observed: 1 variant allele.